The following is an entry in ClinVar:

ClinVar aggregate classification (germline): Uncertain significance (1 of 4 stars; one submission).

Conditions:
Cardiovascular phenotype. Identifiers: MedGen CN230736.

Allele frequency attached by ClinVar (database versions not stated): gnomAD exomes below 0.00001; gnomAD 0.00001.

Submission:

Ambry Genetics
Classification: Uncertain significance for Cardiovascular phenotype. Last evaluated: 2022-04-25. Review status: criteria provided, single submitter. Criteria: Ambry Variant Classification Scheme 2023. Collection method: clinical testing. Allele origin: germline.
Comment: The p.I290T variant (also known as c.869T>C), located in coding exon 6 of the LMF1 gene, results from a T to C substitution at nucleotide position 869. The isoleucine at codon 290 is replaced by threonine, an amino acid with similar properties. This amino acid position is conserved. In addition, this alteration is predicted to be tolerated by in silico analysis. Since supporting evidence is limited at this time, the clinical significance of this alteration remains unclear.

NM_022773.4(LMF1):c.869T>C (p.Ile290Thr)

Gene: LMF1 (lipase maturation factor 1; minus strand). Cytogenetic location: 16p13.3.
Variant type: single nucleotide variant.
Coding change: c.869T>C on transcript NM_022773.4 (MANE Select); coding-DNA position 869, T replaced by C.
Protein change: p.Ile290Thr; replaces isoleucine 290 with threonine.
Molecular consequence: missense variant. On other transcripts: non-coding transcript variant (1).
Genome position (GRCh38, 1-based): chr16:879,598, A>G on the plus strand (T>C on the coding strand, the complement: LMF1 is on the minus strand). VCF-style: chr16-879598-A-G. GRCh37 (hg19) VCF-style: chr16-929598-A-G.
Other names: c.218T>C, p.Ile73Thr (NM_001352017.2, NM_001352021.2); c.470T>C, p.Ile157Thr (NM_001352018.2); c.542T>C, p.Ile181Thr (NM_001352019.2); c.869T>C, p.Ile290Thr (NM_001352020.1); short protein forms I157T, I73T, I181T, I290T.
Identifiers: ClinVar variation 1764348 (VCV001764348.2), dbSNP rs1173491234, ClinGen allele CA394131445.